The following is an entry in ClinVar:

ClinVar aggregate classification (germline): Benign. Review status: criteria provided, multiple submitters, no conflicts (2 of 4 stars). 2 submissions from 2 submitters: Benign (2). Last evaluated 2018-06-19.

Allele frequency attached by ClinVar (database versions not stated): TOPMed 0.08985; 1000 Genomes Project 30x 0.08026; gnomAD 0.07861; 1000 Genomes Project 0.07887; gnomAD exomes 0.11538.

Submissions (2):

GeneDx
Classification: Benign. Last evaluated: 2018-06-19. Review status: criteria provided, single submitter. Criteria: GeneDx Variant Classification (06012015). Collection method: clinical testing. Allele origin: germline. Affected: yes.
Comment: This variant is considered likely benign or benign based on one or more of the following criteria: it is a conservative change, it occurs at a poorly conserved position in the protein, it is predicted to be benign by multiple in silico algorithms, and/or has population frequency not consistent with disease.

Breakthrough Genomics
Classification: Benign. Review status: criteria provided, single submitter. Criteria: ACMG Guidelines, 2015. Collection method: not provided. Allele origin: germline. Inheritance: Autosomal recessive inheritance. Affected: yes.

NM_006329.3(FBLN5):c.-807A>G

Gene: FBLN5 (fibulin 5; minus strand). Cytogenetic location: 14q32.12.
Variant type: single nucleotide variant.
Coding change: c.-807A>G on transcript NM_006329.3; 807 bases upstream of the start codon, A replaced by G.
Genome position (GRCh38, 1-based): chr14:91,948,036, T>C on the plus strand (A>G on the coding strand, the complement: FBLN5 is on the minus strand). VCF-style: chr14-91948036-T-C. GRCh37 (hg19) VCF-style: chr14-92414380-T-C.
Identifiers: ClinVar variation 674016 (VCV000674016.4), dbSNP rs3814835, ClinGen allele CA265616892.